The following is an entry in ClinVar:

GRCh37/hg19 Xp22.33(chrX:534390-935361)x1

Variant type: copy number loss.
Change: copy number 1 of chrX:534,390-935,361 (401.0 kb, GRCh37 coordinates, 1-based), cytogenetic band Xp22.33.
Identifiers: ClinVar variation 988942 (VCV000988942.4).

ClinVar aggregate classification (germline): Pathogenic (1 of 4 stars; one submission).

Submission:

Illumina Laboratory Services, Illumina
Classification: Pathogenic. Last evaluated: 2020-09-30. Review status: criteria provided, single submitter. Criteria: ICSL CNVClassificationCriteria Aug2020. Collection method: clinical testing. Allele origin: unknown.
Comment: This CNV is a 401 kb deletion of Xp22.33 on chromosome X, (seq[GRCh37]del(X)(p22.33); chrX:g.534390_935361del), and was found in a de novo state. The CNV constitutes a loss encompassing the entire SHOX gene, which is associated with SHOX deficiency disorders including Leri-Weill dyschondrosteosis. At least 15 unrelated cases with smaller deletions that fall within the boundaries of the CNV have been described, all presenting with Leri-Weill dyschondrosteosis (Schiller et al. 2000; Gatta et al. 2007; Benito-Sanz et al. 2017). In addition, larger CNVs have also been described which overlap this region. Variable expressivity has been observed with similar CNVs showing phenotypes across the spectrum of SHOX deficiency disorders. In addition, studies suggest that the size of the CNV may not correlate with severity of clinical presentation (Schiller et al. 2000; Benito-Sanz et al. 2017). Partial or full gene deletions were not reported in 110 healthy controls (Rappold et al. 2002; Gatta et al. 2007). Based on the collective evidence, this CNV is classified as pathogenic.

Literature cited by the submitters: PubMed 10713888; PubMed 11889216; PubMed 17091221; PubMed 27604558.